The following is an entry in ClinVar:

NM_001206927.2(DNAH8):c.938T>G (p.Leu313Arg)

Gene: DNAH8 (dynein axonemal heavy chain 8; plus strand). Cytogenetic location: 6p21.2.
Variant type: single nucleotide variant.
Coding change: c.938T>G on transcript NM_001206927.2 (MANE Select); coding-DNA position 938, T replaced by G.
Protein change: p.Leu313Arg; replaces leucine 313 with arginine.
Molecular consequence: missense variant.
Genome position (GRCh38, 1-based): chr6:38,737,242, T>G. VCF-style: chr6-38737242-T-G. GRCh37 (hg19) VCF-style: chr6-38705018-T-G.
Other names: c.287T>G, p.Leu96Arg (NM_001371.4); c.938T>G (NM_001206927.1); short protein forms L313R, L96R.
Identifiers: ClinVar variation 1417502 (VCV001417502.5), dbSNP rs1764173249, ClinGen allele CA363986787.

ClinVar aggregate classification (germline): Uncertain significance. Review status: criteria provided, multiple submitters, no conflicts (2 of 4 stars). 2 submissions from 2 submitters: Uncertain significance (2). Last evaluated 2025-05-16.

Conditions:
Primary ciliary dyskinesia. Also called: Ciliary dyskinesia. Identifiers: Orphanet 244, MedGen C0008780, MONDO:0016575, HP:0012265.

Allele frequency attached by ClinVar (database versions not stated): TOPMed below 0.00001.

Submissions (2):

Ambry Genetics
Classification: Uncertain significance. Last evaluated: 2025-05-16. Review status: criteria provided, single submitter. Criteria: Ambry Variant Classification Scheme 2023. Collection method: clinical testing. Allele origin: germline.

Labcorp Genetics (formerly Invitae), Labcorp
Classification: Uncertain significance for Primary ciliary dyskinesia. Last evaluated: 2022-03-09. Review status: criteria provided, single submitter. Criteria: Invitae Variant Classification Sherloc (09022015). Collection method: clinical testing. Allele origin: germline.
Comment: In summary, the available evidence is currently insufficient to determine the role of this variant in disease. Therefore, it has been classified as a Variant of Uncertain Significance. Algorithms developed to predict the effect of missense changes on protein structure and function are either unavailable or do not agree on the potential impact of this missense change (SIFT: "Deleterious"; PolyPhen-2: "Not Available"; Align-GVGD: "Class C0"). This variant has not been reported in the literature in individuals affected with DNAH8-related conditions. This variant is not present in population databases (gnomAD no frequency). This sequence change replaces leucine, which is neutral and non-polar, with arginine, which is basic and polar, at codon 313 of the DNAH8 protein (p.Leu313Arg).